The following is an entry in ClinVar:

NM_001244008.2(KIF1A):c.89T>C (p.Met30Thr)

Gene: KIF1A (kinesin family member 1A; minus strand). Cytogenetic location: 2q37.3.
Variant type: single nucleotide variant.
Coding change: c.89T>C on transcript NM_001244008.2 (MANE Select); coding-DNA position 89, T replaced by C.
Protein change: p.Met30Thr; replaces methionine 30 with threonine.
Molecular consequence: missense variant.
Genome position (GRCh38, 1-based): chr2:240,797,664, A>G on the plus strand (T>C on the coding strand, the complement: KIF1A is on the minus strand). VCF-style: chr2-240797664-A-G. GRCh37 (hg19) VCF-style: chr2-241737081-A-G.
Other names: c.89T>C, p.Met30Thr (NM_001320705.2, NM_001330289.2, NM_001330290.2 and 20 more transcripts); short protein forms M30T.
Identifiers: ClinVar variation 974918 (VCV000974918.1), dbSNP rs2056552194, ClinGen allele CA351315563.

ClinVar aggregate classification (germline): Uncertain significance (1 of 4 stars; one submission).

Conditions:
Hereditary spastic paraplegia 30. Identifiers: Orphanet 101010, MedGen C5235139, MONDO:0012476.

Submission:

SIB Swiss Institute of Bioinformatics
Classification: Uncertain significance for Spastic paraplegia 30A, autosomal dominant. Last evaluated: 2020-06-15. Review status: criteria provided, single submitter. Criteria: ACMG Guidelines, 2015. Collection method: curation. Allele origin: unknown.
Comment: This variant is interpreted as a variant of ucertain significace for spastic paraplegia 30, autosomal dominant. The following ACMG Tag(s) were applied: Absent from controls (or at extremely low frequency if recessive) in Exome Sequencing Project, 1000 Genomes Project, or Exome Aggregation Consortium (PM2); Multiple lines of computational evidence support a deleterious effect on the gene or gene product (PP3); Missense variant in a gene that has a low rate of benign missense variation and in which missense variants are a common mechanism of disease (PP2).

Literature cited by the submitters: PubMed 31488895.